The following is an entry in ClinVar:

NM_001122769.3(LCA5):c.1967G>A (p.Gly656Asp)

Gene: LCA5 (lebercilin LCA5; minus strand). Cytogenetic location: 6q14.1.
Variant type: single nucleotide variant.
Coding change: c.1967G>A on transcript NM_001122769.3 (MANE Select); coding-DNA position 1967, G replaced by A.
Protein change: p.Gly656Asp; replaces glycine 656 with aspartic acid.
Molecular consequence: missense variant.
Genome position (GRCh38, 1-based): chr6:79,487,131, C>T on the plus strand (G>A on the coding strand, the complement: LCA5 is on the minus strand). VCF-style: chr6-79487131-C-T. GRCh37 (hg19) VCF-style: chr6-80196848-C-T.
Other names: c.1967G>A, p.Gly656Asp (NM_181714.4); short protein forms G656D.
Identifiers: ClinVar variation 167255 (VCV000167255.34), dbSNP rs1875845, ClinGen allele CA180169.
Genomic context (GRCh38, chr6:79,487,131, plus strand): 5'-TCTGCATGTTTTAATCGGTGCCTATTTGGATTAAAACTTCTTCCTTCACTGAGGAAAAAG[C>T]CTTCATCTTCATCATGTTCTTGATCTCTGCTGCCTTTATTCCCAGGGAGAAAATTTAGAG-3'
Protein context (NP_001116241.1, residues 646-666): SRDQEHDEDE[Gly656Asp]FFLSEGRSFN

ClinVar aggregate classification (germline): Benign. Review status: criteria provided, multiple submitters, no conflicts (2 of 4 stars). 8 submissions from 8 submitters: Benign (5). 3 of the submissions do not count toward it. Last evaluated 2026-02-04.

Conditions:
Leber congenital amaurosis 1 (LCA1). Also called: AMAUROSIS CONGENITA OF LEBER I; Congenital absence of the rods and cones; Leber's congenital tapetoretinal degeneration; Leber's congenital tapetoretinal dysplasia; RETINAL BLINDNESS, CONGENITAL. Identifiers: Orphanet 65, MedGen C2931258, MONDO:0008764, OMIM 204000.
Leber congenital amaurosis 5 (LCA5). Also called: Amaurosis congenita of Leber, type 5. Identifiers: Orphanet 65, MedGen C1858301, MONDO:0011473, OMIM 604537.

Allele frequency attached by ClinVar (database versions not stated): gnomAD exomes 0.30786; ExAC 0.31671; 1000 Genomes Project 0.35523; 1000 Genomes Project 30x 0.36024; ESP Exome Variant Server 0.37842; TOPMed 0.37104; gnomAD 0.36167.

Submissions (8):

Labcorp Genetics (formerly Invitae), Labcorp
Classification: Benign. Last evaluated: 2026-02-04. Review status: criteria provided, single submitter. Criteria: Invitae Variant Classification Sherloc (09022015). Collection method: clinical testing. Allele origin: germline.

Genome-Nilou Lab
Classification: Benign for Leber congenital amaurosis 5. Last evaluated: 2021-07-10. Review status: criteria provided, single submitter. Criteria: ACMG Guidelines, 2015. Collection method: clinical testing. Allele origin: germline. Affected: no.

Mendelics
Classification: Benign for Leber congenital amaurosis 1. Last evaluated: 2019-05-28. Review status: criteria provided, single submitter. Criteria: Mendelics Assertion Criteria 2017. Collection method: clinical testing. Allele origin: unknown.

Illumina Laboratory Services, Illumina
Classification: Benign for Leber congenital amaurosis 5. Last evaluated: 2018-01-13. Review status: criteria provided, single submitter. Criteria: ICSL Variant Classification Criteria 13 December 2019. Collection method: clinical testing. Allele origin: germline.
Comment: This variant was observed in the ICSL laboratory as part of a predisposition screen in an ostensibly healthy population. It had not been previously curated by ICSL or reported in the Human Gene Mutation Database (HGMD: prior to June 1st, 2018), and was therefore a candidate for classification through an automated scoring system. Utilizing variant allele frequency, disease prevalence and penetrance estimates, and inheritance mode, an automated score was calculated to assess if this variant is too frequent to cause the disease. Based on the score and internal cut-off values, a variant classified as benign is not then subjected to further curation. The score for this variant resulted in a classification of benign for this disease.

Eurofins Ntd Llc (ga)
Classification: Benign. Last evaluated: 2014-01-22. Review status: criteria provided, single submitter. Criteria: EGL Classification Definitions 2015. Collection method: clinical testing. Allele origin: germline. Observed: 3 variant alleles, 1 heterozygote, 2 homozygotes.

Natera, Inc.
Classification: Benign for Leber congenital amaurosis type 5. Last evaluated: 2019-11-19. Review status: no assertion criteria provided. Collection method: clinical testing. Allele origin: germline. Not counted in ClinVar's aggregate classification.

Diagnostic Laboratory, Department of Genetics, University Medical Center Groningen
Classification: Benign. Review status: no assertion criteria provided. Collection method: clinical testing. Allele origin: germline. Affected: yes. Study: VKGL Data-share Consensus. Not counted in ClinVar's aggregate classification.

Joint Genome Diagnostic Labs from Nijmegen and Maastricht, Radboudumc and MUMC+
Classification: Benign. Review status: no assertion criteria provided. Collection method: clinical testing. Allele origin: germline. Affected: yes. Study: VKGL Data-share Consensus. Not counted in ClinVar's aggregate classification.